The following is an entry in ClinVar:

NM_001572.5(IRF7):c.727_728delinsGG (p.Thr243Gly)

Gene: IRF7 (interferon regulatory factor 7; minus strand). Cytogenetic location: 11p15.5.
Variant type: Indel.
Coding change: c.727_728delinsGG on transcript NM_001572.5 (MANE Select); coding-DNA positions 727 to 728, AC replaced by GG.
Protein change: p.Thr243Gly; replaces threonine 243 with glycine.
Molecular consequence: missense variant. On other transcripts: intron variant (1).
Genome position (GRCh38, 1-based): chr11:613,989-613,990, GT replaced by CC on the plus strand (AC replaced by GG on the coding strand, the reverse complement: IRF7 is on the minus strand). VCF-style: chr11-613989-GT-CC. GRCh37 (hg19) VCF-style: chr11-613989-GT-CC.
Other names: c.766_767delinsGG, p.Thr256Gly (NM_004031.4); c.680-125_680-124delinsGG (NM_004029.4); short protein forms T243G, T256G.
Identifiers: ClinVar variation 1431670 (VCV001431670.8), dbSNP rs2133138915, ClinGen allele CA2573147201.

ClinVar aggregate classification (germline): Uncertain significance (1 of 4 stars; one submission).

Conditions:
Immunodeficiency 39 (IMD39). Identifiers: Orphanet 574918, MedGen C4225358, MONDO:0014597, OMIM 616345.

Submission:

Labcorp Genetics (formerly Invitae), Labcorp
Classification: Uncertain significance for Immunodeficiency 39. Last evaluated: 2023-10-22. Review status: criteria provided, single submitter. Criteria: Invitae Variant Classification Sherloc (09022015). Collection method: clinical testing. Allele origin: germline.
Comment: This sequence change replaces threonine, which is neutral and polar, with glycine, which is neutral and non-polar, at codon 256 of the IRF7 protein (p.Thr256Gly). The frequency data for this variant in the population databases is considered unreliable, as metrics indicate poor data quality at this position in the gnomAD database. This variant has not been reported in the literature in individuals affected with IRF7-related conditions. ClinVar contains an entry for this variant (Variation ID: 1431670). An algorithm developed to predict the effect of missense changes on protein structure and function (PolyPhen-2) suggests that this variant is likely to be tolerated. In summary, the available evidence is currently insufficient to determine the role of this variant in disease. Therefore, it has been classified as a Variant of Uncertain Significance.